The following is an entry in ClinVar:

NM_000152.5(GAA):c.1406_1408del (p.Thr469del)

Gene: GAA (alpha glucosidase; plus strand). Cytogenetic location: 17q25.3.
Variant type: Deletion.
Coding change: c.1406_1408del on transcript NM_000152.5 (MANE Select); coding-DNA positions 1406 to 1408, 3 bases deleted (CCA; older notation c.1406_1408delCCA).
Protein change: p.Thr469del; deletes threonine 469.
Molecular consequence: inframe deletion.
Genome position (GRCh38, 1-based): chr17:80,110,024-80,110,026, CCA deleted; deleting any 3 consecutive bases within chr17:80,110,022-80,110,026 gives the same sequence; the c. name uses the placement nearest the transcript's 3' end. VCF-style (leftmost placement, unchanged base first): chr17-80110021-TCAC-T. GRCh37 (hg19) VCF-style: chr17-78083820-TCAC-T.
Other names: c.1406_1408del, p.Thr469del (NM_001079803.3, NM_001079804.3, NM_001406741.1 and 1 more transcripts); short protein forms T469del.
Identifiers: ClinVar variation 5004311 (VCV005004311.1).
Genomic context (GRCh38, chr17:80,110,021, plus strand): 5'-GCTCGGGCCCTGCCGGGAGCTACAGGCCCTACGACGAGGGTCTGCGGAGGGGGGTTTTCA[TCAC>T]CAACGAGACCGGCCAGCCGCTGATTGGGAAGGTAGGGCGAGGGTCCAGGGGACGGGGGTT-3'

ClinVar aggregate classification (germline): Uncertain significance (1 of 4 stars; one submission).

Conditions:
Glycogen storage disease, type II (IOPD). Also called: Pompe Disease; CARDIOMEGALIA GLYCOGENICA DIFFUSA; GLYCOGENOSIS, GENERALIZED, CARDIAC FORM; GSD II; Glycogen storage disease type 2; Acid maltase deficiency disease. Identifiers: Orphanet 365, MedGen C0017921, MONDO:0009290, OMIM 232300.

Submission:

Myriad Genetics, Inc.
Classification: Uncertain significance for Glycogen storage disease, type II. Last evaluated: 2025-12-02. Review status: criteria provided, single submitter. Criteria: Myriad Autosomal Dominant, Autosomal Recessive and X-Linked Classification Criteria (2023). Collection method: clinical testing. Allele origin: unknown.
Comment: NM_000152.3(GAA):c.1406_1408delCCA(T469del) is an in-frame deletion classified as a variant of uncertain significance in the context of Pompe disease. T469del has not been observed in cases with relevant disease. Relevant functional assessments of this variant are not available in the literature. T469del has not been observed in referenced population frequency databases. In summary, there is insufficient evidence to classify NM_000152.3(GAA):c.1406_1408delCCA(T469del) as pathogenic or benign. Please note: this variant was assessed in the context of healthy population screening.